The following is an entry in ClinVar:

ClinVar aggregate classification (germline): Uncertain significance (1 of 4 stars; one submission).

Submission:

GeneDx
Classification: Uncertain significance. Last evaluated: 2023-07-19. Review status: criteria provided, single submitter. Criteria: GeneDx Variant Classification Process June 2021. Collection method: clinical testing. Allele origin: germline. Affected: yes.
Comment: Not observed at significant frequency in large population cohorts (gnomAD); In-frame deletion of 1 amino acid in a non-repeat region; In silico analysis supports that this variant does not alter protein structure/function; Has not been previously published as pathogenic or benign to our knowledge

NM_001394372.1(BICRA):c.3105_3107del (p.Asn1035del)

Gene: BICRA (BRD4 interacting chromatin remodeling complex associated protein; plus strand). Cytogenetic location: 19q13.33.
Variant type: Deletion.
Coding change: c.3105_3107del on transcript NM_001394372.1 (MANE Select); coding-DNA positions 3105 to 3107, 3 bases deleted (CAA; older notation c.3105_3107delCAA).
Protein change: p.Asn1035del; deletes asparagine 1035.
Genome position (GRCh38, 1-based): chr19:47,695,393-47,695,395, CAA deleted; deleting any 3 consecutive bases within chr19:47,695,391-47,695,395 gives the same sequence; the c. name uses the placement nearest the transcript's 3' end. VCF-style (leftmost placement, unchanged base first): chr19-47695390-GAAC-G. GRCh37 (hg19) VCF-style: chr19-48198647-GAAC-G.
Other names: c.3105_3107del, p.Asn1035del (NM_015711.3); short protein forms N1035del.
Identifiers: ClinVar variation 3361280 (VCV003361280.1).